The following is an entry in ClinVar:

NM_001130009.3(GEN1):c.2536C>T (p.His846Tyr)

Gene: GEN1 (GEN1 Holliday junction 5' flap endonuclease; plus strand). Cytogenetic location: 2p24.2.
Variant type: single nucleotide variant.
Coding change: c.2536C>T on transcript NM_001130009.3 (MANE Select); coding-DNA position 2536, C replaced by T.
Protein change: p.His846Tyr; replaces histidine 846 with tyrosine.
Molecular consequence: missense variant.
Genome position (GRCh38, 1-based): chr2:17,781,748, C>T. VCF-style: chr2-17781748-C-T. GRCh37 (hg19) VCF-style: chr2-17963015-C-T.
Other names: c.2536C>T, p.His846Tyr (NM_182625.5); short protein forms H846Y.
Identifiers: ClinVar variation 4263063 (VCV004263063.1).

ClinVar aggregate classification (germline): Uncertain significance (1 of 4 stars; one submission).

gnomAD v4.1: 2 of 1,613,054 alleles (0.00012%); highest among the groups gnomAD compares: Admixed American, 0.0033%; no homozygotes.

Submission:

Ambry Genetics
Classification: Uncertain significance. Last evaluated: 2025-08-07. Review status: criteria provided, single submitter. Criteria: Ambry Variant Classification Scheme 2023. Collection method: clinical testing. Allele origin: germline.
Comment: The p.H846Y variant (also known as c.2536C>T), located in coding exon 13 of the GEN1 gene, results from a C to T substitution at nucleotide position 2536. The histidine at codon 846 is replaced by tyrosine, an amino acid with similar properties. This amino acid position is conserved. In addition, this alteration is predicted to be tolerated by in silico analysis. Based on the available evidence, the clinical significance of this variant remains unclear.